The following is an entry in ClinVar:

ClinVar aggregate classification (germline): Uncertain significance (1 of 4 stars; one submission).

Allele frequency attached by ClinVar (database versions not stated): gnomAD exomes below 0.00001; gnomAD 0.00001.

Submission:

Labcorp Genetics (formerly Invitae), Labcorp
Classification: Uncertain significance. Last evaluated: 2024-10-24. Review status: criteria provided, single submitter. Criteria: Invitae Variant Classification Sherloc (09022015). Collection method: clinical testing. Allele origin: germline.
Comment: This sequence change replaces alanine, which is neutral and non-polar, with aspartic acid, which is acidic and polar, at codon 327 of the HPS1 protein (p.Ala327Asp). This variant is not present in population databases (gnomAD no frequency). This variant has not been reported in the literature in individuals affected with HPS1-related conditions. ClinVar contains an entry for this variant (Variation ID: 2116333). Invitae Evidence Modeling of protein sequence and biophysical properties (such as structural, functional, and spatial information, amino acid conservation, physicochemical variation, residue mobility, and thermodynamic stability) indicates that this missense variant is not expected to disrupt HPS1 protein function with a negative predictive value of 95%. In summary, the available evidence is currently insufficient to determine the role of this variant in disease. Therefore, it has been classified as a Variant of Uncertain Significance.

NM_000195.5(HPS1):c.980C>A (p.Ala327Asp)

Gene: HPS1 (HPS1 biogenesis of lysosomal organelles complex 3 subunit 1; minus strand). Cytogenetic location: 10q24.2.
Variant type: single nucleotide variant.
Coding change: c.980C>A on transcript NM_000195.5 (MANE Select); coding-DNA position 980, C replaced by A.
Protein change: p.Ala327Asp; replaces alanine 327 with aspartic acid.
Molecular consequence: missense variant.
Genome position (GRCh38, 1-based): chr10:98,427,222, G>T on the plus strand (C>A on the coding strand, the complement: HPS1 is on the minus strand). VCF-style: chr10-98427222-G-T. GRCh37 (hg19) VCF-style: chr10-100186979-G-T.
Other names: c.8C>A, p.Ala3Asp (NM_001311345.2, NM_001322487.2, NM_001322489.2); c.980C>A, p.Ala327Asp (NM_001322476.2, NM_001322477.2); c.881C>A, p.Ala294Asp (NM_001322478.2, NM_001322479.2); c.719C>A, p.Ala240Asp (NM_001322480.2, NM_001322481.2); c.620C>A, p.Ala207Asp (NM_001322482.2); c.611C>A, p.Ala204Asp (NM_001322483.2, NM_001322484.2); c.512C>A, p.Ala171Asp (NM_001322485.2); short protein forms A171D, A294D, A240D, A204D, A207D, A327D, A3D.
Identifiers: ClinVar variation 2116333 (VCV002116333.3), dbSNP rs1845725037, ClinGen allele CA378049469.